The following is an entry in ClinVar:

NM_003289.4(TPM2):c.539_556dup (p.Val185_Ala186insGluGluArgAlaGluVal)

Gene: TPM2 (tropomyosin 2; minus strand). Cytogenetic location: 9p13.3.
Variant type: Duplication.
Coding change: c.539_556dup on transcript NM_003289.4 (MANE Select); coding-DNA positions 539 to 556, 18 bases duplicated (AGGAGAGGGCTGAGGTGG).
Protein change: p.Val185_Ala186insGluGluArgAlaGluVal.
Molecular consequence: inframe insertion. On other transcripts: inframe indel (1).
Genome position (GRCh38, 1-based): chr9:35,685,276-35,685,293, CCACCTCAGCCCTCTCCT duplicated on the plus strand (AGGAGAGGGCTGAGGTGG on the coding strand, the reverse complement: TPM2 is on the minus strand); duplicating any 18 consecutive bases within chr9:35,685,276-35,685,295 gives the same sequence; the c. name uses the placement nearest the transcript's 3' end. VCF-style (leftmost placement, unchanged base first): chr9-35685275-G-GCCACCTCAGCCCTCTCCT. GRCh37 (hg19) VCF-style: chr9-35685272-G-GCCACCTCAGCCCTCTCCT.
Other names: c.539_556dup, p.Val185_Ala186insGluGluArgAlaGluVal (NM_001301226.2, NM_001301227.2, NM_213674.1); c.539_556dup (NM_003289.3).
Identifiers: ClinVar variation 2663507 (VCV002663507.1), dbSNP rs2490682070, ClinGen allele CA2695201577.

ClinVar aggregate classification (germline): Uncertain significance (1 of 4 stars; one submission).

Submission:

GeneDx
Classification: Uncertain significance. Last evaluated: 2023-04-20. Review status: criteria provided, single submitter. Criteria: GeneDx Variant Classification Process June 2021. Collection method: clinical testing. Allele origin: germline. Affected: yes.
Comment: Not observed at significant frequency in large population cohorts (gnomAD); In-frame duplication of 6 amino acids in a non-repeat region; Has not been previously published as pathogenic or benign to our knowledge